The following is an entry in ClinVar:

ClinVar aggregate classification (germline): Likely pathogenic (1 of 4 stars; one submission).

Conditions:
KBG syndrome (KBGS). Also called: ANKRD11-Related KBG Syndrome. Identifiers: Orphanet 2332, MedGen C0220687, MONDO:0007846, OMIM 148050.

Submission:

Laboratorio de Genetica e Diagnostico Molecular, Hospital Israelita Albert Einstein
Classification: Likely pathogenic for KBG syndrome. Last evaluated: 2024-08-16. Review status: criteria provided, single submitter. Criteria: ACMG Guidelines, 2015. Collection method: clinical testing. Allele origin: germline. Affected: yes.
Comment: ACMG classification criteria: PVS1 very strong, PM2 supporting

NM_013275.6(ANKRD11):c.3937C>T (p.Gln1313Ter)

Gene: ANKRD11 (ankyrin repeat domain 11; minus strand). Cytogenetic location: 16q24.3.
Variant type: single nucleotide variant.
Coding change: c.3937C>T on transcript NM_013275.6 (MANE Select); coding-DNA position 3937, C replaced by T.
Protein change: p.Gln1313Ter; replaces glutamine 1313 with a stop codon.
Molecular consequence: nonsense.
Genome position (GRCh38, 1-based): chr16:89,282,605, G>A on the plus strand (C>T on the coding strand, the complement: ANKRD11 is on the minus strand). VCF-style: chr16-89282605-G-A. GRCh37 (hg19) VCF-style: chr16-89349013-G-A.
Other names: c.3937C>T, p.Gln1313Ter (NM_001256182.2, NM_001256183.2); short protein forms Q1313*.
Identifiers: ClinVar variation 3901034 (VCV003901034.1).